The following is an entry in ClinVar:

ClinVar aggregate classification (germline): Uncertain significance (1 of 4 stars; one submission).

Submission:

Labcorp Genetics (formerly Invitae), Labcorp
Classification: Uncertain significance. Last evaluated: 2023-03-18. Review status: criteria provided, single submitter. Criteria: Invitae Variant Classification Sherloc (09022015). Collection method: clinical testing. Allele origin: germline.
Comment: This variant has not been reported in the literature in individuals affected with MYO6-related conditions. In summary, the available evidence is currently insufficient to determine the role of this variant in disease. Therefore, it has been classified as a Variant of Uncertain Significance. Algorithms developed to predict the effect of sequence changes on RNA splicing suggest that this variant may create or strengthen a splice site. ClinVar contains an entry for this variant (Variation ID: 2073667). This variant is not present in population databases (gnomAD no frequency). This sequence change falls in intron 7 of the MYO6 gene. It does not directly change the encoded amino acid sequence of the MYO6 protein.

NM_004999.4(MYO6):c.554-4A>G

Gene: MYO6 (myosin VI; plus strand). Cytogenetic location: 6q14.1.
Variant type: single nucleotide variant.
Coding change: c.554-4A>G on transcript NM_004999.4 (MANE Select); 4 bases into the intron before coding-DNA position 554, A replaced by G.
Molecular consequence: intron variant.
Genome position (GRCh38, 1-based): chr6:75,840,581, A>G. VCF-style: chr6-75840581-A-G. GRCh37 (hg19) VCF-style: chr6-76550298-A-G.
Other names: c.554-4A>G (NM_001368865.1, NM_001368866.1, NM_001368137.1 and 4 more transcripts); c.554-19A>G (NM_001368138.1).
Identifiers: ClinVar variation 2073667 (VCV002073667.4), dbSNP rs2535094289, ClinGen allele CA2580075836.
Genomic context (GRCh38, chr6:75,840,581, plus strand): 5'-CCATGCATATTTTGTAATGTTCCGTCATGCTAATTTTTTGATGGATTTTTTTGTTTCTCA[A>G]TAGCTAACCCACTCCTAGAAGCCTTTGGAAATGCGAAGACTGTTCGCAACAATAATAGCA-3'